The following is an entry in ClinVar:

ClinVar aggregate classification (germline): Conflicting classifications of pathogenicity. Review status: criteria provided, conflicting classifications (1 of 4 stars). 3 submissions from 3 submitters: Uncertain significance (1); Likely benign (2). Last evaluated 2025-02-06.

Conditions:
Hereditary cancer-predisposing syndrome. Also called: Neoplastic Syndromes, Hereditary; Tumor predisposition; Hereditary neoplastic syndrome; Hereditary Cancer Syndrome. Identifiers: Orphanet 140162, MedGen C0027672, MeSH D009386, MONDO:0015356.

Allele frequency attached by ClinVar (database versions not stated): TOPMed below 0.00001.

Submissions (3):

Labcorp Genetics (formerly Invitae), Labcorp
Classification: Likely benign for Hereditary cancer-predisposing syndrome. Last evaluated: 2025-02-06. Review status: criteria provided, single submitter. Criteria: Invitae Variant Classification Sherloc (09022015). Collection method: clinical testing. Allele origin: germline.

Quest Diagnostics Nichols Institute San Juan Capistrano
Classification: Uncertain significance. Last evaluated: 2023-08-04. Review status: criteria provided, single submitter. Criteria: Quest Diagnostics criteria. Collection method: clinical testing. Allele origin: unknown.
Comment: To the best of our knowledge, this variant has not been reported in individuals with RAD50-related conditions in the published literature. The frequency of this variant in the general population, 0.0000025 (1/397416 chromosomes (Genome Aggregation Database)), is uninformative in the assessment of its pathogenicity. Analysis of this variant using software algorithms for the prediction of the effect of nucleotide changes on RAD50 mRNA splicing yielded predictions that this variant may result in the gain of a cryptic splice site without affecting the natural splice sites . Based on the available information, we are unable to determine the clinical significance of this variant.

Ambry Genetics
Classification: Likely benign for Hereditary cancer-predisposing syndrome. Last evaluated: 2021-10-26. Review status: criteria provided, single submitter. Criteria: Ambry Variant Classification Scheme 2023. Collection method: clinical testing. Allele origin: germline.

NM_005732.4(RAD50):c.3690G>A (p.Leu1230=)

Genes: RAD50 (RAD50 double strand break repair protein; plus strand), TH2-LCR (Th2 cytokine locus control region; plus strand), TH2LCRR (T helper type 2 locus control region associated RNA; minus strand). Cytogenetic location: 5q31.1.
Variant type: single nucleotide variant.
Coding change: c.3690G>A on transcript NM_005732.4 (MANE Select); coding-DNA position 3690, G replaced by A.
Protein change: p.Leu1230=; no amino-acid change (leucine 1230 retained).
Molecular consequence: synonymous variant.
Genome position (GRCh38, 1-based): chr5:132,640,743, G>A. VCF-style: chr5-132640743-G-A. GRCh37 (hg19) VCF-style: chr5-131976435-G-A.
Identifiers: ClinVar variation 566301 (VCV000566301.12), dbSNP rs1561660969, ClinGen allele CA446355458.